The following is an entry in ClinVar:

ClinVar aggregate classification (germline): Pathogenic/Likely pathogenic. Review status: criteria provided, multiple submitters, no conflicts (2 of 4 stars). 2 submissions from 2 submitters: Pathogenic (1); Likely pathogenic (1). Last evaluated 2025-09-05.

Conditions:
Nephronophthisis 18 (NPHP18). Identifiers: Orphanet 655, MedGen C3890591, MONDO:0014374, OMIM 615862.

gnomAD v4.1: 1 of 1,608,844 alleles (0.000062%); highest among the groups gnomAD compares: Non-Finnish European, 0.000085%; no homozygotes.

Submissions (2):

Labcorp Genetics (formerly Invitae), Labcorp
Classification: Pathogenic for Nephronophthisis 18. Last evaluated: 2025-09-05. Review status: criteria provided, single submitter. Criteria: Invitae Variant Classification Sherloc (09022015). Collection method: clinical testing. Allele origin: germline.
Comment: This sequence change creates a premature translational stop signal (p.Leu351*) in the CEP83 gene. It is expected to result in an absent or disrupted protein product. Loss-of-function variants in CEP83 are known to be pathogenic (PMID: 23530209, 24882706). This variant is present in population databases (rs763684946, gnomAD 0.0009%). This variant has not been reported in the literature in individuals affected with CEP83-related conditions. ClinVar contains an entry for this variant (Variation ID: 3233347). For these reasons, this variant has been classified as Pathogenic.

Neuroscience and Human Genetics Department, Aou Meyer
Classification: Likely pathogenic for Nephronophthisis 18. Review status: criteria provided, single submitter. Criteria: ACMG Guidelines, 2015. Collection method: clinical testing. Allele origin: biparental. Inheritance: Autosomal recessive inheritance. Affected: yes. Observed: 1 variant allele, 1 compound heterozygote.

Literature cited by the submitters: PubMed 23530209 (cited by Labcorp Genetics (formerly Invitae), Labcorp); PubMed 24882706 (cited by Labcorp Genetics (formerly Invitae), Labcorp).

NM_016122.3(CEP83):c.1052T>G (p.Leu351Ter)

Gene: CEP83 (centrosomal protein 83; minus strand). Cytogenetic location: 12q22.
Variant type: single nucleotide variant.
Coding change: c.1052T>G on transcript NM_016122.3 (MANE Select); coding-DNA position 1052, T replaced by G.
Protein change: p.Leu351Ter; replaces leucine 351 with a stop codon.
Molecular consequence: nonsense. On other transcripts: non-coding transcript variant (1).
Genome position (GRCh38, 1-based): chr12:94,368,198, A>C on the plus strand (T>G on the coding strand, the complement: CEP83 is on the minus strand). VCF-style: chr12-94368198-A-C. GRCh37 (hg19) VCF-style: chr12-94761974-A-C.
Other names: c.1052T>G, p.Leu351Ter (NM_001042399.2, NM_001346457.2, NM_001368037.1 and 1 more transcripts); c.740T>G, p.Leu247Ter (NM_001346458.2, NM_001346459.2, NM_001368039.1 and 1 more transcripts); c.827T>G, p.Leu276Ter (NM_001368041.1); short protein forms L247*, L276*, L351*.
Identifiers: ClinVar variation 3233347 (VCV003233347.3).